The following is an entry in ClinVar:

NM_001042492.3(NF1):c.2251+5A>T

Gene: NF1 (neurofibromin 1; plus strand). Cytogenetic location: 17q11.2.
Variant type: single nucleotide variant.
Coding change: c.2251+5A>T on transcript NM_001042492.3 (MANE Select); 5 bases into the intron after coding-DNA position 2251, A replaced by T.
Molecular consequence: intron variant.
Genome position (GRCh38, 1-based): chr17:31,226,689, A>T. VCF-style: chr17-31226689-A-T. GRCh37 (hg19) VCF-style: chr17-29553707-A-T.
Other names: c.2251+5A>T (NM_000267.4).
Identifiers: ClinVar variation 233732 (VCV000233732.12), dbSNP rs786201934, ClinGen allele CA10580247.

ClinVar aggregate classification (germline): Conflicting classifications of pathogenicity. Review status: criteria provided, conflicting classifications (1 of 4 stars). 3 submissions from 3 submitters: Uncertain significance (2); Likely benign (1). Last evaluated 2025-10-21.

Conditions:
Hereditary cancer-predisposing syndrome. Also called: Tumor predisposition; Hereditary Cancer Syndrome; Hereditary neoplastic syndrome; Neoplastic Syndromes, Hereditary. Identifiers: Orphanet 140162, MedGen C0027672, MeSH D009386, MONDO:0015356.
Neurofibromatosis, type 1 (NF1). Also called: VON RECKLINGHAUSEN DISEASE; NEUROFIBROMATOSIS, TYPE I, SOMATIC; Peripheral type neurofibromatosis; Neurofibromatosis, type I. Identifiers: Orphanet 636, MedGen C0027831, MONDO:0018975, OMIM 162200. Disease mechanism: loss of function.

Submissions (3):

Labcorp Genetics (formerly Invitae), Labcorp
Classification: Likely benign for Neurofibromatosis, type 1. Last evaluated: 2025-10-21. Review status: criteria provided, single submitter. Criteria: Invitae Variant Classification Sherloc (09022015). Collection method: clinical testing. Allele origin: germline.

Genome-Nilou Lab
Classification: Uncertain significance for Neurofibromatosis, type 1. Last evaluated: 2022-03-15. Review status: criteria provided, single submitter. Criteria: ACMG Guidelines, 2015. Collection method: clinical testing. Allele origin: germline. Affected: no.

Ambry Genetics
Classification: Uncertain significance for Hereditary cancer-predisposing syndrome. Last evaluated: 2015-09-04. Review status: criteria provided, single submitter. Criteria: Ambry Autosomal Dominant and X-Linked criteria (10/2015). Collection method: clinical testing. Allele origin: germline. Observed: 1 variant allele.
Comment: The c.2251+5A>T intronic variant results from an A to T substitution 5 nucleotides after coding exon 18 in the NF1 gene. This variant was not reported in population based cohorts in the following databases: Database of Single Nucleotide Polymorphisms (dbSNP), NHLBI Exome Sequencing Project (ESP), and 1000 Genomes Project. In the ESP, this variant was not observed in 6503 samples (13006 alleles) with coverage at this position. To date, this alteration has been detected with an allele frequency of approximately 0.002% (greater than 55000alleles tested) in our clinical cohort.This nucleotide position is not well conserved in available vertebrate species. Using the BDGP and ESEfinder splice site prediction tools, this alteration is not predicted to have any significant effect on this native splice donor site; however, direct evidence is unavailable.Since supporting evidence is limited at this time, the clinical significance of c.2251+5A>Tremains unclear.